The following is an entry in ClinVar:

NM_020937.4(FANCM):c.189G>T (p.Glu63Asp)

Gene: FANCM (FA complementation group M; plus strand). Cytogenetic location: 14q21.2.
Variant type: single nucleotide variant.
Coding change: c.189G>T on transcript NM_020937.4 (MANE Select); coding-DNA position 189, G replaced by T.
Protein change: p.Glu63Asp; replaces glutamic acid 63 with aspartic acid.
Molecular consequence: missense variant.
Genome position (GRCh38, 1-based): chr14:45,136,220, G>T. VCF-style: chr14-45136220-G-T. GRCh37 (hg19) VCF-style: chr14-45605423-G-T.
Other names: c.189G>T, p.Glu63Asp (NM_001308133.2, NM_001308134.2); short protein forms E63D.
Identifiers: ClinVar variation 947739 (VCV000947739.10), dbSNP rs1885484309, ClinGen allele CA389587327.

ClinVar aggregate classification (germline): Uncertain significance. Review status: criteria provided, multiple submitters, no conflicts (2 of 4 stars). 2 submissions from 2 submitters: Uncertain significance (2). Last evaluated 2025-05-18.

Conditions:
Fanconi anemia (FA). Also called: Fanconi's anemia. Identifiers: Orphanet 84, MedGen C0015625, MeSH D005199, MONDO:0019391.
Inborn genetic diseases. Identifiers: MedGen C0950123, MeSH D030342.

Submissions (2):

Ambry Genetics
Classification: Uncertain significance for Inborn genetic diseases. Last evaluated: 2025-05-18. Review status: criteria provided, single submitter. Criteria: Ambry Variant Classification Scheme 2023. Collection method: clinical testing. Allele origin: germline.

Labcorp Genetics (formerly Invitae), Labcorp
Classification: Uncertain significance for Fanconi anemia. Last evaluated: 2019-08-19. Review status: criteria provided, single submitter. Criteria: Invitae Variant Classification Sherloc (09022015). Collection method: clinical testing. Allele origin: germline.
Comment: This variant has not been reported in the literature in individuals with FANCM-related conditions. This variant is not present in population databases (ExAC no frequency). This sequence change replaces glutamic acid with aspartic acid at codon 63 of the FANCM protein (p.Glu63Asp). The glutamic acid residue is moderately conserved and there is a small physicochemical difference between glutamic acid and aspartic acid. Algorithms developed to predict the effect of missense changes on protein structure and function output the following: SIFT: "Tolerated"; PolyPhen-2: "Benign"; Align-GVGD: "Class C0". The aspartic acid amino acid residue is found in multiple mammalian species, suggesting that this missense change does not adversely affect protein function. These predictions have not been confirmed by published functional studies and their clinical significance is uncertain. In summary, the available evidence is currently insufficient to determine the role of this variant in disease. Therefore, it has been classified as a Variant of Uncertain Significance.